The following is an entry in ClinVar:

ClinVar aggregate classification (germline): Pathogenic/Likely pathogenic. Review status: criteria provided, multiple submitters, no conflicts (2 of 4 stars). 4 submissions from 4 submitters: Pathogenic (2); Likely pathogenic (2). Last evaluated 2025-10-22.

Conditions:
Inborn genetic diseases. Identifiers: MedGen C0950123, MeSH D030342.
Hyperammonemia, type III (NAGSD). Also called: Hyperammonemia due to N-acetylglutamate synthase deficiency. Identifiers: Orphanet 927, MedGen C0268543, MONDO:0009377, OMIM 237310.

Allele frequency attached by ClinVar (database versions not stated): gnomAD exomes below 0.00001; gnomAD 0.00004; TOPMed 0.00006.
gnomAD v4.1: 44 of 1,607,718 alleles (0.0027%); highest among the groups gnomAD compares: Non-Finnish European, 0.0036%; no homozygotes.

Submissions (4):

Ambry Genetics
Classification: Pathogenic for Inborn genetic diseases. Last evaluated: 2025-10-22. Review status: criteria provided, single submitter. Criteria: Ambry Variant Classification Scheme 2023. Collection method: clinical testing. Allele origin: germline.
Comment: The c.1292C>T (p.T431I) alteration is located in exon 6 (coding exon 6) of the NAGS gene. This alteration results from a C to T substitution at nucleotide position 1292, causing the threonine (T) at amino acid position 431 to be replaced by an isoleucine (I). Based on data from gnomAD, the T allele has an overall frequency of 0.001% (2/264364) total alleles studied. The highest observed frequency was 0.002% (2/118934) of European (non-Finnish) alleles. This variant has been identified in the homozygous state and/or in conjunction with other NAGS variant(s) in individual(s) with features consistent with N-acetylglutamate synthase deficiency; in at least one instance, the variants were identified in trans (Caldovic, 2005, Caldovic, 2007, External communication). The p.Thr431 amino acid is conserved in available vertebrate species with limited sequence alignment. In multiple assays testing NAGS function, this variant showed functionally abnormal results (Caldovic, 2005, Gougeard, 2024). This alteration is predicted to be deleterious by in silico analysis (Choi, 2012). Based on the available evidence, this alteration is classified as pathogenic.

Labcorp Genetics (formerly Invitae), Labcorp
Classification: Pathogenic for Hyperammonemia, type III. Last evaluated: 2024-07-15. Review status: criteria provided, single submitter. Criteria: Invitae Variant Classification Sherloc (09022015). Collection method: clinical testing. Allele origin: germline.
Comment: This sequence change replaces threonine, which is neutral and polar, with isoleucine, which is neutral and non-polar, at codon 431 of the NAGS protein (p.Thr431Ile). The frequency data for this variant in the population databases is considered unreliable, as metrics indicate poor data quality at this position in the gnomAD database. This missense change has been observed in individuals with N-acetylglutamate synthase deficiency (PMID: 15714518, 17421020; Invitae). It has also been observed to segregate with disease in related individuals. ClinVar contains an entry for this variant (Variation ID: 957890). Advanced modeling of protein sequence and biophysical properties (such as structural, functional, and spatial information, amino acid conservation, physicochemical variation, residue mobility, and thermodynamic stability) performed at Invitae indicates that this missense variant is not expected to disrupt NAGS protein function with a negative predictive value of 80%. Experimental studies have shown that this missense change affects NAGS function (PMID: 15714518). For these reasons, this variant has been classified as Pathogenic.

Fulgent Genetics
Classification: Likely pathogenic for Hyperammonemia, type III. Last evaluated: 2024-05-04. Review status: criteria provided, single submitter. Criteria: ACMG Guidelines, 2015. Collection method: clinical testing. Allele origin: germline.

Revvity Omics, Revvity
Classification: Likely pathogenic for Hyperammonemia, type III. Last evaluated: 2022-02-01. Review status: criteria provided, single submitter. Criteria: ACMG Guidelines, 2015. Collection method: clinical testing. Allele origin: germline.

Literature cited by the submitters: PubMed 15714518 (cited by Ambry Genetics and Labcorp Genetics (formerly Invitae), Labcorp); PubMed 17421020 (cited by Ambry Genetics and Labcorp Genetics (formerly Invitae), Labcorp); PubMed 38740568 (cited by Ambry Genetics).

NM_153006.3(NAGS):c.1292C>T (p.Thr431Ile)

Gene: NAGS (N-acetylglutamate synthase; plus strand). Cytogenetic location: 17q21.31.
Variant type: single nucleotide variant.
Coding change: c.1292C>T on transcript NM_153006.3 (MANE Select); coding-DNA position 1292, C replaced by T.
Protein change: p.Thr431Ile; replaces threonine 431 with isoleucine.
Molecular consequence: missense variant.
Genome position (GRCh38, 1-based): chr17:44,007,614, C>T. VCF-style: chr17-44007614-C-T. GRCh37 (hg19) VCF-style: chr17-42084982-C-T.
Other names: short protein forms T431I.
Identifiers: ClinVar variation 957890 (VCV000957890.15), dbSNP rs761558985, ClinGen allele CA290853899.